The following is an entry in ClinVar:

NM_005859.5(PURA):c.703del (p.Val235fs)

Gene: PURA (purine rich element binding protein A; plus strand). Cytogenetic location: 5q31.3.
Variant type: Deletion.
Coding change: c.703del on transcript NM_005859.5 (MANE Select); coding-DNA position 703, one base deleted (G; older notation c.703delG).
Protein change: p.Val235fs; shifts the reading frame from valine 235.
Molecular consequence: frameshift variant.
Genome position (GRCh38, 1-based): chr5:140,114,884, G deleted. VCF-style (leftmost placement, unchanged base first): chr5-140114883-TG-T. GRCh37 (hg19) VCF-style: chr5-139494468-TG-T.
Other names: short protein forms V235fs.
Identifiers: ClinVar variation 976451 (VCV000976451.1), dbSNP rs1763053563, ClinGen allele CA1139659106.

ClinVar aggregate classification (germline): Pathogenic (0 of 4 stars; one submission).

Conditions:
PURA-related severe neonatal hypotonia-seizures-encephalopathy syndrome (NEDRIHF). Also called: NEURODEVELOPMENTAL DISORDER WITH NEONATAL RESPIRATORY INSUFFICIENCY, HYPOTONIA, AND FEEDING DIFFICULTIES; PURA-Related Neurodevelopmental Disorders. Identifiers: Orphanet 438213, Orphanet 438216, MedGen C4015357, MONDO:1060108, OMIM 616158, MONDO:0018580.

Submission:

Clinical Genomics Laboratory, Stanford Medicine
Classification: Pathogenic for PURA-related severe neonatal hypotonia-seizures-encephalopathy syndrome. Last evaluated: 2019-07-10. Review status: no assertion criteria provided. Collection method: clinical testing. Allele origin: germline. Inheritance: Autosomal dominant inheritance. Affected: yes.
Comment: This variant was absent from large population databases, including the Genome Aggregation Database. The p.Val235Trpfs*12 variant results in a 1bp deletion, which causes a shift in the protein reading frame, leading to a premature termination codon 12 amino acids downstream. There is only one coding exon in the PURA gene, therefore premature termination at this location is not predicted to result in nonsense-mediated decay. However, other truncating variants have been reported as disease-causing, including variants that truncate the protein downstream of this variant, suggesting that this variant disrupts gene function. These data were assessed using the ACMG/AMP variant interpretation guidelines. In summary, there is sufficient evidence to classify the p.Val235Trpfs*12 variant as pathogenic for autosomal dominant PURA-related neurodevelopmental disorder based on the information above. [ACMG evidence codes used: PVS1_Strong; PS2; PM2]